The following is an entry in ClinVar:

NM_000138.5(FBN1):c.-178_-169dup

Genes: FBN1 (fibrillin 1; minus strand), LOC130057020 (ATAC-STARR-seq lymphoblastoid silent region 6418; plus strand). Cytogenetic location: 15q21.1.
Variant type: Duplication.
Coding change: c.-178_-169dup on transcript NM_000138.5 (MANE Select); 178 bases upstream of the start codon through 169 bases upstream of the start codon, 10 bases duplicated (GCAGGGGCCG; older notation c.-178_-169dupGCAGGGGCCG).
Molecular consequence: 5 prime UTR variant.
Genome position (GRCh38, 1-based): chr15:48,644,938-48,644,947, CGGCCCCTGC duplicated on the plus strand (GCAGGGGCCG on the coding strand, the reverse complement: FBN1 is on the minus strand); duplicating any 10 consecutive bases within chr15:48,644,938-48,644,948 gives the same sequence; the c. name uses the placement nearest the transcript's 3' end. VCF-style (leftmost placement, unchanged base first): chr15-48644937-G-GCGGCCCCTGC. GRCh37 (hg19) VCF-style: chr15-48937134-G-GCGGCCCCTGC.
Other names: c.-178_-169dupGCAGGGGCCG (NM_000138.4).
Identifiers: ClinVar variation 512419 (VCV000512419.1), dbSNP rs1555407449, ClinGen allele CA658798381.

ClinVar aggregate classification (germline): Likely benign (1 of 4 stars; one submission).

Submission:

GeneDx
Classification: Likely benign. Last evaluated: 2017-09-29. Review status: criteria provided, single submitter. Criteria: GeneDx Variant Classification (06012015). Collection method: clinical testing. Allele origin: germline. Affected: yes.
Comment: This variant is considered likely benign or benign based on one or more of the following criteria: it is a conservative change, it occurs at a poorly conserved position in the protein, it is predicted to be benign by multiple in silico algorithms, and/or has population frequency not consistent with disease.